The following is an entry in ClinVar:

NM_198578.4(LRRK2):c.2076A>C (p.Leu692=)

Gene: LRRK2 (leucine rich repeat kinase 2; plus strand). Cytogenetic location: 12q12.
Variant type: single nucleotide variant.
Coding change: c.2076A>C on transcript NM_198578.4 (MANE Select); coding-DNA position 2076, A replaced by C.
Protein change: p.Leu692=; no amino-acid change (leucine 692 retained).
Molecular consequence: synonymous variant.
Genome position (GRCh38, 1-based): chr12:40,278,096, A>C. VCF-style: chr12-40278096-A-C. GRCh37 (hg19) VCF-style: chr12-40671898-A-C.
Identifiers: ClinVar variation 3054667 (VCV003054667.2), dbSNP rs2499638501, ClinGen allele CA479390898.

ClinVar aggregate classification (germline): Likely benign (0 of 4 stars; one submission).

Conditions:
LRRK2-related disorder. Also called: LRRK2-related condition.

Submission:

PreventionGenetics, part of Exact Sciences
Classification: Likely benign for LRRK2-related condition. Last evaluated: 2020-11-12. Review status: no assertion criteria provided. Collection method: clinical testing. Allele origin: germline.
Comment: This variant is classified as likely benign based on ACMG/AMP sequence variant interpretation guidelines (Richards et al. 2015 PMID: 25741868, with internal and published modifications).